The following is an entry in ClinVar:

NM_020911.2(PLXNA4):c.3861G>T (p.Leu1287=)

Gene: PLXNA4 (plexin A4; minus strand). Cytogenetic location: 7q32.3.
Variant type: single nucleotide variant.
Coding change: c.3861G>T on transcript NM_020911.2 (MANE Select); coding-DNA position 3861, G replaced by T.
Protein change: p.Leu1287=; no amino-acid change (leucine 1287 retained).
Molecular consequence: synonymous variant.
Genome position (GRCh38, 1-based): chr7:132,179,700, C>A on the plus strand (G>T on the coding strand, the complement: PLXNA4 is on the minus strand). VCF-style: chr7-132179700-C-A. GRCh37 (hg19) VCF-style: chr7-131864459-C-A.
Other names: c.3861G>T, p.Leu1287= (NM_001393897.1).
Identifiers: ClinVar variation 3355268 (VCV003355268.1).

ClinVar aggregate classification (germline): Likely benign (0 of 4 stars; one submission).

Conditions:
PLXNA4-related disorder. Also called: PLXNA4-related condition.

gnomAD v4.1: 2 of 1,613,694 alleles (0.00012%); highest among the groups gnomAD compares: Non-Finnish European, 0.00017%; no homozygotes.

Submission:

PreventionGenetics, part of Exact Sciences
Classification: Likely benign for PLXNA4-related condition. Last evaluated: 2021-10-29. Review status: no assertion criteria provided. Collection method: clinical testing. Allele origin: germline.
Comment: This variant is classified as likely benign based on ACMG/AMP sequence variant interpretation guidelines (Richards et al. 2015 PMID: 25741868, with internal and published modifications).